The following is an entry in ClinVar:

ClinVar aggregate classification (germline): Likely pathogenic. Review status: criteria provided, single submitter (1 of 4 stars). 2 submissions from 1 submitter: Likely pathogenic (2). Last evaluated 2021-03-23.

Conditions:
Premature menopause. Identifiers: MedGen C0025322, MONDO:0001119.
Non-obstructive azoospermia. Identifiers: MedGen C4021107, HP:0011961.

Submissions (2):

Clinical Bioinformatic Lab, Royan Institute
Classification: Likely pathogenic for Premature ovarian insufficiency. Last evaluated: 2021-03-23. Review status: criteria provided, single submitter. Criteria: ACMG Guidelines, 2015. Collection method: clinical testing. Allele origin: inherited. Affected: yes. Observed: 3 variant alleles, 3 homozygotes.
Comment: STAG3 encodes a principal component of the cohesin ring specifically expressed in cells undergoing meiosis. Studies in knockout mouse models and human infertility have implicated STAG3 variants as causative for gonadal failure in both sexes. We report a novel in-frame deletion in STAG3 co-segregating with non-obstructive azoospermia and primary amenorrhea in three siblings

Clinical Bioinformatic Lab, Royan Institute
Classification: Likely pathogenic for Non-obstructive azoospermia. Last evaluated: 2021-03-23. Review status: criteria provided, single submitter. Criteria: ACMG Guidelines, 2015. Collection method: clinical testing. Allele origin: inherited. Inheritance: Autosomal recessive inheritance. Affected: yes. Observed: 3 variant alleles, 3 homozygotes.
Comment: the same text as in the submission from Clinical Bioinformatic Lab, Royan Institute above.

Literature cited by the submitters: PubMed 35176428.

NM_001282717.2(STAG3):c.1953_1955del (p.Leu652del)

Gene: STAG3 (STAG3 cohesin complex component; plus strand). Cytogenetic location: 7q22.1.
Variant type: Deletion.
Coding change: c.1953_1955del on transcript NM_001282717.2 (MANE Select); coding-DNA positions 1953 to 1955, 3 bases deleted (GCT; older notation c.1953_1955delGCT).
Protein change: p.Leu652del; deletes leucine 652.
Molecular consequence: inframe deletion. On other transcripts: non-coding transcript variant (3).
Genome position (GRCh38, 1-based): chr7:100,200,861-100,200,863, GCT deleted; deleting any 3 consecutive bases within chr7:100,200,859-100,200,863 gives the same sequence; the c. name uses the placement nearest the transcript's 3' end. VCF-style (leftmost placement, unchanged base first): chr7-100200858-CCTG-C. GRCh37 (hg19) VCF-style: chr7-99798481-CCTG-C.
Other names: c.1953_1955del, p.Leu652del (NM_001282716.1, NM_001375438.1, NM_012447.4); c.1779_1781del, p.Leu594del (NM_001282718.2); short protein forms L594del, L652del.
Identifiers: ClinVar variation 1048096 (VCV001048096.4), dbSNP rs2117315457, ClinGen allele CA2499218605.